The following is an entry in ClinVar:

NM_032776.3(JMJD1C):c.4027C>G (p.Leu1343Val)

Gene: JMJD1C (jumonji domain containing 1C; minus strand). Cytogenetic location: 10q21.3.
Variant type: single nucleotide variant.
Coding change: c.4027C>G on transcript NM_032776.3 (MANE Select); coding-DNA position 4027, C replaced by G.
Protein change: p.Leu1343Val; replaces leucine 1343 with valine.
Molecular consequence: missense variant. On other transcripts: non-coding transcript variant (1).
Genome position (GRCh38, 1-based): chr10:63,207,642, G>C on the plus strand (C>G on the coding strand, the complement: JMJD1C is on the minus strand). VCF-style: chr10-63207642-G-C. GRCh37 (hg19) VCF-style: chr10-64967402-G-C.
Other names: c.4027C>G (NM_032776.1); c.3481C>G, p.Leu1161Val (NM_001282948.2, NM_001318154.2); c.3163C>G, p.Leu1055Val (NM_001318153.2); c.3913C>G, p.Leu1305Val (NM_001322252.2); c.3370C>G, p.Leu1124Val (NM_001322254.2, NM_001322258.2); short protein forms L1055V, L1161V, L1305V, L1343V, L1124V.
Identifiers: ClinVar variation 934342 (VCV000934342.11), dbSNP rs183741384, ClinGen allele CA5518343.

ClinVar aggregate classification (germline): Uncertain significance. Review status: criteria provided, multiple submitters, no conflicts (2 of 4 stars). 2 submissions from 2 submitters: Uncertain significance (2). Last evaluated 2025-12-02.

Conditions:
Early Myoclonic Encephalopathy. Identifiers: MedGen C0270855.

Allele frequency attached by ClinVar (database versions not stated): ExAC 0.00001; 1000 Genomes Project 0.00020; gnomAD exomes 0.00001; 1000 Genomes Project 30x 0.00016.
gnomAD v4.1: 2 of 1,614,082 alleles (0.00012%); highest among the groups gnomAD compares: Admixed American, 0.0033%; no homozygotes.

Submissions (2):

Ambry Genetics
Classification: Uncertain significance. Last evaluated: 2025-12-02. Review status: criteria provided, single submitter. Criteria: Ambry Variant Classification Scheme 2023. Collection method: clinical testing. Allele origin: germline.

Labcorp Genetics (formerly Invitae), Labcorp
Classification: Uncertain significance for Early Myoclonic Encephalopathy. Last evaluated: 2024-06-04. Review status: criteria provided, single submitter. Criteria: Invitae Variant Classification Sherloc (09022015). Collection method: clinical testing. Allele origin: germline.
Comment: This sequence change replaces leucine, which is neutral and non-polar, with valine, which is neutral and non-polar, at codon 1343 of the JMJD1C protein (p.Leu1343Val). This variant is present in population databases (rs183741384, gnomAD 0.006%). This variant has not been reported in the literature in individuals affected with JMJD1C-related conditions. ClinVar contains an entry for this variant (Variation ID: 934342). Advanced modeling of protein sequence and biophysical properties (such as structural, functional, and spatial information, amino acid conservation, physicochemical variation, residue mobility, and thermodynamic stability) performed at Invitae indicates that this missense variant is not expected to disrupt JMJD1C protein function with a negative predictive value of 80%. In summary, the available evidence is currently insufficient to determine the role of this variant in disease. Therefore, it has been classified as a Variant of Uncertain Significance.